The following is an entry in ClinVar:

ClinVar aggregate classification (germline): Uncertain significance. Review status: criteria provided, multiple submitters, no conflicts (2 of 4 stars). 3 submissions from 2 submitters: Uncertain significance (3). Last evaluated 2022-03-15.

Conditions:
Alternating hemiplegia of childhood 2 (AHC2). Also called: Alternating Hemiplegia of Childhood (AHC). Identifiers: Orphanet 2131, MedGen C3553788, MONDO:0013900, OMIM 614820.
Dystonia 12 (DYT12). Also called: Rapid-Onset Dystonia-Parkinsonism (RDP); DYT-ATP1A3. Identifiers: Orphanet 71517, MedGen C1868681, MONDO:0007496, OMIM 128235.

Allele frequency attached by ClinVar (database versions not stated): gnomAD 0.00001.
gnomAD v4.1: 31 of 1,613,990 alleles (0.0019%); highest among the groups gnomAD compares: Non-Finnish European, 0.0025%; no homozygotes.

Submissions (3):

Labcorp Genetics (formerly Invitae), Labcorp
Classification: Uncertain significance for Dystonia 12. Last evaluated: 2022-03-15. Review status: criteria provided, single submitter. Criteria: Invitae Variant Classification Sherloc (09022015). Collection method: clinical testing. Allele origin: germline.
Comment: This variant has not been reported in the literature in individuals affected with ATP1A3-related conditions. ClinVar contains an entry for this variant (Variation ID: 894122). Advanced modeling of protein sequence and biophysical properties (such as structural, functional, and spatial information, amino acid conservation, physicochemical variation, residue mobility, and thermodynamic stability) performed at Invitae indicates that this missense variant is not expected to disrupt ATP1A3 protein function. In summary, the available evidence is currently insufficient to determine the role of this variant in disease. Therefore, it has been classified as a Variant of Uncertain Significance. This variant is not present in population databases (gnomAD no frequency). This sequence change replaces glutamic acid, which is acidic and polar, with glycine, which is neutral and non-polar, at codon 670 of the ATP1A3 protein (p.Glu670Gly).

Illumina Laboratory Services, Illumina
Classification: Uncertain significance for Dystonia 12. Last evaluated: 2018-01-12. Review status: criteria provided, single submitter. Criteria: ICSL Variant Classification Criteria 13 December 2019. Collection method: clinical testing. Allele origin: germline.

Illumina Laboratory Services, Illumina
Classification: Uncertain significance for Alternating hemiplegia of childhood 2. Last evaluated: 2018-01-12. Review status: criteria provided, single submitter. Criteria: ICSL Variant Classification Criteria 13 December 2019. Collection method: clinical testing. Allele origin: germline.

NM_152296.5(ATP1A3):c.2009A>G (p.Glu670Gly)

Gene: ATP1A3 (ATPase Na+/K+ transporting subunit alpha 3; minus strand). Cytogenetic location: 19q13.2.
Variant type: single nucleotide variant.
Coding change: c.2009A>G on transcript NM_152296.5 (MANE Select); coding-DNA position 2009, A replaced by G.
Protein change: p.Glu670Gly; replaces glutamic acid 670 with glycine.
Molecular consequence: missense variant.
Genome position (GRCh38, 1-based): chr19:41,976,501, T>C on the plus strand (A>G on the coding strand, the complement: ATP1A3 is on the minus strand). VCF-style: chr19-41976501-T-C. GRCh37 (hg19) VCF-style: chr19-42480653-T-C.
Other names: c.2042A>G, p.Glu681Gly (NM_001256213.2); c.2048A>G, p.Glu683Gly (NM_001256214.2); short protein forms E681G, E683G, E670G.
Identifiers: ClinVar variation 894122 (VCV000894122.8), dbSNP rs2075172328, ClinGen allele CA406043195.